The following is an entry in ClinVar:

NM_178170.3(NEK8):c.935C>T (p.Ser312Leu)

Gene: NEK8 (NIMA related kinase 8; plus strand). Cytogenetic location: 17q11.2.
Variant type: single nucleotide variant.
Coding change: c.935C>T on transcript NM_178170.3 (MANE Select); coding-DNA position 935, C replaced by T.
Protein change: p.Ser312Leu; replaces serine 312 with leucine.
Molecular consequence: missense variant.
Genome position (GRCh38, 1-based): chr17:28,737,864, C>T. VCF-style: chr17-28737864-C-T. GRCh37 (hg19) VCF-style: chr17-27064882-C-T.
Other names: short protein forms S312L.
Identifiers: ClinVar variation 839514 (VCV000839514.2), dbSNP rs200212844, ClinGen allele CA8467249.

ClinVar aggregate classification (germline): Uncertain significance. Review status: criteria provided, multiple submitters, no conflicts (2 of 4 stars). 2 submissions from 2 submitters: Uncertain significance (2). Last evaluated 2022-02-01.

Conditions:
Renal-hepatic-pancreatic dysplasia 2 (RHPD2). Identifiers: MedGen C3809434, MONDO:0014174, OMIM 615415.
Nephronophthisis 9 (NPHP9). Identifiers: Orphanet 655, MedGen C3151188, MONDO:0013444, OMIM 613824.

Allele frequency attached by ClinVar (database versions not stated): gnomAD 0.00001; TOPMed 0.00002; ExAC 0.00003; gnomAD exomes 0.00003 and 0.00007; 1000 Genomes Project 30x 0.00016; 1000 Genomes Project 0.00020.
gnomAD v4.1: 106 of 1,613,968 alleles (0.0066%); highest among the groups gnomAD compares: South Asian, 0.0088%; 1 homozygote.

Submissions (2):

Fulgent Genetics
Classification: Uncertain significance for Nephronophthisis 9; Renal-hepatic-pancreatic dysplasia 2. Last evaluated: 2022-02-01. Review status: criteria provided, single submitter. Criteria: ACMG Guidelines, 2015. Collection method: clinical testing. Allele origin: unknown.

Labcorp Genetics (formerly Invitae), Labcorp
Classification: Uncertain significance for Nephronophthisis 9. Last evaluated: 2019-11-28. Review status: criteria provided, single submitter. Criteria: Invitae Variant Classification Sherloc (09022015). Collection method: clinical testing. Allele origin: germline.
Comment: This sequence change replaces serine with leucine at codon 312 of the NEK8 protein (p.Ser312Leu). The serine residue is highly conserved and there is a large physicochemical difference between serine and leucine. This variant is present in population databases (rs200212844, ExAC 0.01%), including at least one homozygous and/or hemizygous individual. This variant has not been reported in the literature in individuals with NEK8-related conditions. Algorithms developed to predict the effect of missense changes on protein structure and function are either unavailable or do not agree on the potential impact of this missense change (SIFT: "Deleterious"; PolyPhen-2: "Benign"; Align-GVGD: "Class C0"). In summary, the available evidence is currently insufficient to determine the role of this variant in disease. Therefore, it has been classified as a Variant of Uncertain Significance.